The following is an entry in ClinVar:

ClinVar aggregate classification (germline): Pathogenic. Review status: criteria provided, multiple submitters, no conflicts (2 of 4 stars). 2 submissions from 2 submitters: Pathogenic (2). Last evaluated 2024-08-08.

Conditions:
Migraine, familial hemiplegic, 1. Also called: MIGRAINE, FAMILIAL HEMIPLEGIC 1, WITH PROGRESSIVE CEREBELLAR ATAXIA. Identifiers: Orphanet 569, MedGen C1832884, MONDO:0020756, OMIM 141500, MONDO:0007714.
Spinocerebellar ataxia type 6 (SCA6). Identifiers: Orphanet 98758, MedGen C0752124, MONDO:0008457, OMIM 183086.
Developmental and epileptic encephalopathy, 52 (DEE52). Also called: Epileptic encephalopathy, early infantile, 52. Identifiers: MedGen C4479236, MONDO:0033361, OMIM 617350.
Episodic ataxia type 2 (EA2). Also called: ACETAZOLAMIDE-RESPONSIVE HEREDITARY PAROXYSMAL CEREBELLAR ATAXIA; ATAXIA, EPISODIC, WITH NYSTAGMUS; ATAXIA, FAMILIAL PAROXYSMAL; CEREBELLAR ATAXIA, PAROXYSMAL, ACETAZOLAMIDE-RESPONSIVE; CEREBELLOPATHY, HEREDITARY PAROXYSMAL; EPISODIC ATAXIA, NYSTAGMUS-ASSOCIATED. Identifiers: Orphanet 97, MedGen C1720416, MONDO:0007163, OMIM 108500.
Developmental and epileptic encephalopathy, 42 (DEE42A). Also called: DEVELOPMENTAL AND EPILEPTIC ENCEPHALOPATHY 42A; EPILEPTIC ENCEPHALOPATHY, EARLY INFANTILE, 42A; Epileptic encephalopathy, early infantile, 42. Identifiers: MedGen C4310716, MONDO:0014917, OMIM 617106.

Submissions (2):

Labcorp Genetics (formerly Invitae), Labcorp
Classification: Pathogenic for Developmental and epileptic encephalopathy, 42; Episodic ataxia type 2. Last evaluated: 2024-08-08. Review status: criteria provided, single submitter. Criteria: Invitae Variant Classification Sherloc (09022015). Collection method: clinical testing. Allele origin: germline.
Comment: This sequence change replaces alanine, which is neutral and non-polar, with threonine, which is neutral and polar, at codon 1508 of the CACNA1A protein (p.Ala1508Thr). This variant is not present in population databases (gnomAD no frequency). This missense change has been observed in individual(s) with CACNA1A-related conditions (PMID: 35722745). In at least one individual the variant was observed to be de novo. This variant is also known as c.4519G>A, p.A1507T. ClinVar contains an entry for this variant (Variation ID: 1679523). Advanced modeling of protein sequence and biophysical properties (such as structural, functional, and spatial information, amino acid conservation, physicochemical variation, residue mobility, and thermodynamic stability) performed at Invitae indicates that this missense variant is expected to disrupt CACNA1A protein function with a positive predictive value of 95%. For these reasons, this variant has been classified as Pathogenic.

Wendy Chung Laboratory, Boston Children's Hospital
Classification: Pathogenic for Developmental and epileptic encephalopathy, 52; Episodic ataxia type 2; Migraine, familial hemiplegic, 1; Spinocerebellar ataxia type 6. Last evaluated: 2022-03-20. Review status: criteria provided, single submitter. Criteria: ACMG Guidelines, 2015. Collection method: clinical testing. Allele origin: de novo. Affected: yes.

Literature cited by the submitters: PubMed 35722745 (cited by Labcorp Genetics (formerly Invitae), Labcorp).

NM_001127222.2(CACNA1A):c.4519G>A (p.Ala1507Thr)

Gene: CACNA1A (calcium voltage-gated channel subunit alpha1 A; minus strand). Cytogenetic location: 19p13.13.
Variant type: single nucleotide variant.
Coding change: c.4519G>A on transcript NM_001127222.2 (MANE Select); coding-DNA position 4519, G replaced by A.
Protein change: p.Ala1507Thr; replaces alanine 1507 with threonine.
Molecular consequence: missense variant.
Genome position (GRCh38, 1-based): chr19:13,257,421, C>T on the plus strand (G>A on the coding strand, the complement: CACNA1A is on the minus strand). VCF-style: chr19-13257421-C-T. GRCh37 (hg19) VCF-style: chr19-13368235-C-T.
Other names: c.4531G>A, p.Ala1511Thr (NM_000068.4, NM_023035.3); c.4522G>A, p.Ala1508Thr (NM_001127221.2, NM_001174080.2); short protein forms A1507T, A1508T, A1511T.
Identifiers: ClinVar variation 1679523 (VCV001679523.4), dbSNP rs886037946, ClinGen allele CA404338879.